The following is an entry in ClinVar:

NM_000231.3(SGCG):c.535G>A (p.Val179Met)

Gene: SGCG (sarcoglycan gamma; plus strand). Cytogenetic location: 13q12.12.
Variant type: single nucleotide variant.
Coding change: c.535G>A on transcript NM_000231.3 (MANE Select); coding-DNA position 535, G replaced by A.
Protein change: p.Val179Met; replaces valine 179 with methionine.
Molecular consequence: missense variant.
Genome position (GRCh38, 1-based): chr13:23,295,444, G>A. VCF-style: chr13-23295444-G-A. GRCh37 (hg19) VCF-style: chr13-23869583-G-A.
Other names: c.589G>A, p.Val197Met (NM_001378244.1); c.535G>A, p.Val179Met (NM_001378245.1, NM_001378246.1); short protein forms V197M, V179M.
Identifiers: ClinVar variation 972107 (VCV000972107.10), dbSNP rs139072866, ClinGen allele CA6909733.

ClinVar aggregate classification (germline): Uncertain significance. Review status: criteria provided, multiple submitters, no conflicts (2 of 4 stars). 4 submissions from 4 submitters: Uncertain significance (3). 1 of the submissions does not count toward it. Last evaluated 2022-11-22.

Conditions:
Autosomal recessive limb-girdle muscular dystrophy type 2C (LGMDR5). Also called: MUSCULAR DYSTROPHY, DUCHENNE-LIKE; MUSCULAR DYSTROPHY, LIMB-GIRDLE, AUTOSOMAL RECESSIVE 5. Identifiers: Orphanet 353, MedGen C0410173, MONDO:0009677, OMIM 253700. Disease mechanism: Affects gamma-sarcoglycan and also disrupts the integrity of the entire sarcoglycan complex..

Allele frequency attached by ClinVar (database versions not stated): gnomAD exomes 0.00001 and 0.00002; ExAC 0.00002; gnomAD 0.00002; ESP Exome Variant Server 0.00008; TOPMed 0.00008.
gnomAD v4.1: 19 of 1,613,912 alleles (0.0012%); highest among the groups gnomAD compares: Non-Finnish European, 0.0014%; no homozygotes.

Submissions (4):

Women's Health and Genetics/Laboratory Corporation of America, LabCorp
Classification: Uncertain significance. Last evaluated: 2022-11-22. Review status: criteria provided, single submitter. Criteria: LabCorp Variant Classification Summary - May 2015. Collection method: clinical testing. Allele origin: germline.
Comment: Variant summary: SGCG c.535G>A (p.Val179Met) results in a conservative amino acid change in the encoded protein sequence. Four of five in-silico tools predict a damaging effect of the variant on protein function. The variant allele was found at a frequency of 2.4e-05 in 251468 control chromosomes (gnomAD). The available data on variant occurrences in the general population are insufficient to allow any conclusion about variant significance. To our knowledge, no occurrence of c.535G>A in individuals affected with Limb-Girdle Muscular Dystrophy and no experimental evidence demonstrating its impact on protein function have been reported. Two clinical diagnostic laboratories have submitted clinical-significance assessments for this variant to ClinVar after 2014 and both laboratories classified the variant as uncertain significance. Based on the evidence outlined above, the variant was classified as uncertain significance.

Labcorp Genetics (formerly Invitae), Labcorp
Classification: Uncertain significance for Autosomal recessive limb-girdle muscular dystrophy type 2C. Last evaluated: 2022-10-28. Review status: criteria provided, single submitter. Criteria: Invitae Variant Classification Sherloc (09022015). Collection method: clinical testing. Allele origin: germline.
Comment: This sequence change replaces valine, which is neutral and non-polar, with methionine, which is neutral and non-polar, at codon 179 of the SGCG protein (p.Val179Met). This variant is present in population databases (rs139072866, gnomAD 0.006%). This variant has not been reported in the literature in individuals affected with SGCG-related conditions. ClinVar contains an entry for this variant (Variation ID: 972107). Advanced modeling of protein sequence and biophysical properties (such as structural, functional, and spatial information, amino acid conservation, physicochemical variation, residue mobility, and thermodynamic stability) performed at Invitae indicates that this missense variant is expected to disrupt SGCG protein function. In summary, the available evidence is currently insufficient to determine the role of this variant in disease. Therefore, it has been classified as a Variant of Uncertain Significance.

Revvity Omics, Revvity
Classification: Uncertain significance for Autosomal recessive limb-girdle muscular dystrophy type 2C. Last evaluated: 2020-01-14. Review status: criteria provided, single submitter. Criteria: ACMG Guidelines, 2015. Collection method: clinical testing. Allele origin: germline.

Natera, Inc.
Classification: Uncertain significance for Limb-girdle muscular dystrophy type 2C. Last evaluated: 2020-04-20. Review status: no assertion criteria provided. Collection method: clinical testing. Allele origin: germline. Not counted in ClinVar's aggregate classification.